The following is an entry in ClinVar:

ClinVar aggregate classification (germline): Uncertain significance (1 of 4 stars; one submission).

Submission:

GeneDx
Classification: Uncertain significance. Last evaluated: 2024-07-22. Review status: criteria provided, single submitter. Criteria: GeneDx Variant Classification Process June 2021. Collection method: clinical testing. Allele origin: germline. Affected: yes.
Comment: Frameshift variant predicted to result in protein truncation or nonsense mediated decay in a gene or region of a gene for which loss of function is not a well-established mechanism of disease; Not observed at significant frequency in large population cohorts (gnomAD); Has not been previously published as pathogenic or benign to our knowledge

NM_001080508.3(TBX18):c.926_937delinsGGTGGAAG (p.Tyr309fs)

Gene: TBX18 (T-box transcription factor 18; minus strand). Cytogenetic location: 6q14.3.
Variant type: Indel.
Coding change: c.926_937delinsGGTGGAAG on transcript NM_001080508.3 (MANE Select); coding-DNA positions 926 to 937, ATCAGAATCAGC replaced by GGTGGAAG.
Protein change: p.Tyr309fs; shifts the reading frame from tyrosine 309.
Molecular consequence: frameshift variant.
Genome position (GRCh38, 1-based): chr6:84,747,922-84,747,933, GCTGATTCTGAT replaced by CTTCCACC on the plus strand (ATCAGAATCAGC replaced by GGTGGAAG on the coding strand, the reverse complement: TBX18 is on the minus strand). VCF-style: chr6-84747922-GCTGATTCTGAT-CTTCCACC. GRCh37 (hg19) VCF-style: chr6-85457640-GCTGATTCTGAT-CTTCCACC.
Other names: short protein forms Y309fs.
Identifiers: ClinVar variation 3600934 (VCV003600934.1).